The following is an entry in ClinVar:

ClinVar aggregate classification (germline): Uncertain significance. Review status: criteria provided, multiple submitters, no conflicts (2 of 4 stars). 4 submissions from 4 submitters: Uncertain significance (4). Last evaluated 2024-05-23.

Conditions:
Dyskeratosis congenita. Identifiers: Orphanet 1775, MedGen C0265965, MONDO:0015780.

Allele frequency attached by ClinVar (database versions not stated): gnomAD 0.00001; gnomAD exomes 0.00001 and 0.00002; ExAC 0.00002; TOPMed 0.00002.
gnomAD v4.1: 14 of 1,614,040 alleles (0.00087%); highest among the groups gnomAD compares: African/African-American, 0.0053%; no homozygotes.

Submissions (4):

Blueprint Genetics
Classification: Uncertain significance. Last evaluated: 2024-05-23. Review status: criteria provided, single submitter. Criteria: ACMG Guidelines, 2015. Collection method: clinical testing. Allele origin: germline.

Labcorp Genetics (formerly Invitae), Labcorp
Classification: Uncertain significance for Dyskeratosis congenita. Last evaluated: 2022-06-10. Review status: criteria provided, single submitter. Criteria: Invitae Variant Classification Sherloc (09022015). Collection method: clinical testing. Allele origin: germline.
Comment: In summary, the available evidence is currently insufficient to determine the role of this variant in disease. Therefore, it has been classified as a Variant of Uncertain Significance. Algorithms developed to predict the effect of missense changes on protein structure and function are either unavailable or do not agree on the potential impact of this missense change (SIFT: "Deleterious"; PolyPhen-2: "Probably Damaging"; Align-GVGD: "Class C0"). ClinVar contains an entry for this variant (Variation ID: 892373). This variant has not been reported in the literature in individuals affected with CTC1-related conditions. This variant is present in population databases (rs758151645, gnomAD 0.008%). This sequence change replaces arginine, which is basic and polar, with cysteine, which is neutral and slightly polar, at codon 806 of the CTC1 protein (p.Arg806Cys).

Sema4
Classification: Uncertain significance for Dyskeratosis congenita. Last evaluated: 2021-04-23. Review status: criteria provided, single submitter. Criteria: Sema4 Curation Guidelines. Collection method: curation. Allele origin: germline.
Comment: The CTC1 c.2416C>T (p.R806C) variant has not been reported in the literature to our knowledge. This variant was observed in 6/280952 chromosomes in the large and broad populations by the Genome Aggregation Database (PMID: 32461654). The variant has been reported in ClinVar (Variation ID 892373). Computational analyses and evolutionary conservation data do not provide strong support for or against an impact to the protein. The overall evidence is insufficient to meet ACMG/AMP criteria for classifying it as benign or pathogenic. In summary, the clinical significance of this variant is currently uncertain.

Illumina Laboratory Services, Illumina
Classification: Uncertain significance for Dyskeratosis congenita. Last evaluated: 2018-01-13. Review status: criteria provided, single submitter. Criteria: ICSL Variant Classification Criteria 13 December 2019. Collection method: clinical testing. Allele origin: germline.

NM_025099.6(CTC1):c.2416C>T (p.Arg806Cys)

Gene: CTC1 (CST telomere replication complex component 1; minus strand). Cytogenetic location: 17p13.1.
Variant type: single nucleotide variant.
Coding change: c.2416C>T on transcript NM_025099.6 (MANE Select); coding-DNA position 2416, C replaced by T.
Protein change: p.Arg806Cys; replaces arginine 806 with cysteine.
Molecular consequence: missense variant. On other transcripts: non-coding transcript variant (1).
Genome position (GRCh38, 1-based): chr17:8,231,785, G>A on the plus strand (C>T on the coding strand, the complement: CTC1 is on the minus strand). VCF-style: chr17-8231785-G-A. GRCh37 (hg19) VCF-style: chr17-8135103-G-A.
Other names: short protein forms R806C.
Identifiers: ClinVar variation 892373 (VCV000892373.13), dbSNP rs758151645, ClinGen allele CA8372087.